The following is an entry in ClinVar:

ClinVar aggregate classification (germline): Uncertain significance (1 of 4 stars; one submission).

Conditions:
Hereditary cancer-predisposing syndrome. Also called: Neoplastic Syndromes, Hereditary; Tumor predisposition; Hereditary Cancer Syndrome; Hereditary neoplastic syndrome. Identifiers: Orphanet 140162, MedGen C0027672, MeSH D009386, MONDO:0015356.

Submission:

Ambry Genetics
Classification: Uncertain significance for Hereditary cancer-predisposing syndrome. Last evaluated: 2022-02-16. Review status: criteria provided, single submitter. Criteria: Ambry Variant Classification Scheme 2023. Collection method: clinical testing. Allele origin: germline.
Comment: The p.K744R variant (also known as c.2231A>G), located in coding exon 13 of the DICER1 gene, results from an A to G substitution at nucleotide position 2231. The lysine at codon 744 is replaced by arginine, an amino acid with highly similar properties. This amino acid position is conserved. In addition, this alteration is predicted to be tolerated by in silico analysis. Since supporting evidence is limited at this time, the clinical significance of this alteration remains unclear.

NM_177438.3(DICER1):c.2231A>G (p.Lys744Arg)

Gene: DICER1 (dicer 1, ribonuclease III; minus strand). Cytogenetic location: 14q32.13.
Variant type: single nucleotide variant.
Coding change: c.2231A>G on transcript NM_177438.3 (MANE Select); coding-DNA position 2231, A replaced by G.
Protein change: p.Lys744Arg; replaces lysine 744 with arginine.
Molecular consequence: missense variant. On other transcripts: non-coding transcript variant (6).
Genome position (GRCh38, 1-based): chr14:95,111,342, T>C on the plus strand (A>G on the coding strand, the complement: DICER1 is on the minus strand). VCF-style: chr14-95111342-T-C. GRCh37 (hg19) VCF-style: chr14-95577679-T-C.
Other names: c.2231A>G, p.Lys744Arg (NM_030621.4, NM_001195573.1, NM_001271282.3 and 13 more transcripts); c.1949A>G, p.Lys650Arg (NM_001395686.1); c.1826A>G, p.Lys609Arg (NM_001395687.1, NM_001395688.1, NM_001395689.1 and 3 more transcripts); c.1664A>G, p.Lys555Arg (NM_001395691.1); c.548A>G, p.Lys183Arg (NM_001395697.1); short protein forms K650R, K744R, K183R, K555R, K609R.
Identifiers: ClinVar variation 1788114 (VCV001788114.2), dbSNP rs2542911222, ClinGen allele CA390882528.
Genomic context (GRCh38, chr14:95,111,342, plus strand): 5'-TGCTAGGTTTTTACTCTGTTCTAACCAATACTAACTGCTTTTGGGTAGCACTGCCTTCGT[T>C]TCGTGGAACCTGGTCTTCCTGGAACACTGGTCTCTTCTTCATCATGCAAATCAAGCTCCT-3'
Protein context (NP_803187.1, residues 734-754): TSVPGRPGST[Lys744Arg]RRQCYPKAIP